The following is an entry in ClinVar:

ClinVar aggregate classification (germline): Uncertain significance. Review status: criteria provided, multiple submitters, no conflicts (2 of 4 stars). 3 submissions from 3 submitters: Uncertain significance (3). Last evaluated 2023-12-15.

Conditions:
Inborn genetic diseases. Identifiers: MedGen C0950123, MeSH D030342.

Allele frequency attached by ClinVar (database versions not stated): gnomAD 0.00002; gnomAD exomes 0.00004.
gnomAD v4.1: 93 of 1,460,784 alleles (0.0064%); highest among the groups gnomAD compares: Non-Finnish European, 0.0082%; no homozygotes.

Submissions (3):

Blueprint Genetics
Classification: Uncertain significance. Last evaluated: 2023-12-15. Review status: criteria provided, single submitter. Criteria: ACMG Guidelines, 2015. Collection method: clinical testing. Allele origin: germline.

Labcorp Genetics (formerly Invitae), Labcorp
Classification: Uncertain significance. Last evaluated: 2022-11-01. Review status: criteria provided, single submitter. Criteria: Invitae Variant Classification Sherloc (09022015). Collection method: clinical testing. Allele origin: germline.
Comment: This sequence change replaces glycine, which is neutral and non-polar, with valine, which is neutral and non-polar, at codon 1293 of the EYS protein (p.Gly1293Val). This variant is present in population databases (rs763158109, gnomAD 0.01%). This variant has not been reported in the literature in individuals affected with EYS-related conditions. ClinVar contains an entry for this variant (Variation ID: 1450534). Algorithms developed to predict the effect of missense changes on protein structure and function output the following: SIFT: "Deleterious"; PolyPhen-2: "Benign"; Align-GVGD: "Class C0". The valine amino acid residue is found in multiple mammalian species, which suggests that this missense change does not adversely affect protein function. Algorithms developed to predict the effect of sequence changes on RNA splicing suggest that this variant may create or strengthen a splice site. In summary, the available evidence is currently insufficient to determine the role of this variant in disease. Therefore, it has been classified as a Variant of Uncertain Significance.

Ambry Genetics
Classification: Uncertain significance for Inborn genetic diseases. Last evaluated: 2022-07-26. Review status: criteria provided, single submitter. Criteria: Ambry Variant Classification Scheme 2023. Collection method: clinical testing. Allele origin: germline.

NM_001142800.2(EYS):c.3878G>T (p.Gly1293Val)

Gene: EYS (EGF-like photoreceptor maintenance factor; minus strand). Cytogenetic location: 6q12.
Variant type: single nucleotide variant.
Coding change: c.3878G>T on transcript NM_001142800.2 (MANE Select); coding-DNA position 3878, G replaced by T.
Protein change: p.Gly1293Val; replaces glycine 1293 with valine.
Molecular consequence: missense variant.
Genome position (GRCh38, 1-based): chr6:64,591,989, C>A on the plus strand (G>T on the coding strand, the complement: EYS is on the minus strand). VCF-style: chr6-64591989-C-A. GRCh37 (hg19) VCF-style: chr6-65301882-C-A.
Other names: c.3878G>T (NM_001142800.1); c.3878G>T, p.Gly1293Val (NM_001292009.2); short protein forms G1293V.
Identifiers: ClinVar variation 1450534 (VCV001450534.5), dbSNP rs763158109, ClinGen allele CA140340987.